The following is an entry in ClinVar:

ClinVar aggregate classification (germline): Uncertain significance (1 of 4 stars; one submission).

gnomAD v4.1: 6 of 1,562,640 alleles (0.00038%); highest among the groups gnomAD compares: African/African-American, 0.0041%; no homozygotes.

Submission:

Ambry Genetics
Classification: Uncertain significance. Last evaluated: 2025-04-07. Review status: criteria provided, single submitter. Criteria: Ambry Variant Classification Scheme 2023. Collection method: clinical testing. Allele origin: germline.
Comment: The p.N266S variant (also known as c.797A>G), located in coding exon 8 of the NEBL gene, results from an A to G substitution at nucleotide position 797. The asparagine at codon 266 is replaced by serine, an amino acid with highly similar properties. This amino acid position is conserved. In addition, this alteration is predicted to be tolerated by in silico analysis. Based on the available evidence, the clinical significance of this variant remains unclear.

NM_006393.3(NEBL):c.797A>G (p.Asn266Ser)

Gene: NEBL (nebulette; minus strand). Cytogenetic location: 10p12.31.
Variant type: single nucleotide variant.
Coding change: c.797A>G on transcript NM_006393.3 (MANE Select); coding-DNA position 797, A replaced by G.
Protein change: p.Asn266Ser; replaces asparagine 266 with serine.
Molecular consequence: missense variant. On other transcripts: intron variant (9).
Genome position (GRCh38, 1-based): chr10:20,859,714, T>C on the plus strand (A>G on the coding strand, the complement: NEBL is on the minus strand). VCF-style: chr10-20859714-T-C. GRCh37 (hg19) VCF-style: chr10-21148643-T-C.
Other names: c.250-46774A>G (NM_001377326.1, NM_001377327.1, NM_001377328.1); c.358-46774A>G (NM_213569.2, NM_001173484.2, NM_001377322.1); c.301-46774A>G (NM_001377324.1); c.292-46774A>G (NM_001377325.1); c.310-46774A>G (NM_001377323.1); short protein forms N266S.
Identifiers: ClinVar variation 3918546 (VCV003918546.1).